The following is an entry in ClinVar:

NM_006129.5(BMP1):c.809T>C (p.Met270Thr)

Gene: BMP1 (bone morphogenetic protein 1; plus strand). Cytogenetic location: 8p21.3.
Variant type: single nucleotide variant.
Coding change: c.809T>C on transcript NM_006129.5 (MANE Select); coding-DNA position 809, T replaced by C.
Protein change: p.Met270Thr; replaces methionine 270 with threonine.
Molecular consequence: missense variant. On other transcripts: non-coding transcript variant (2).
Genome position (GRCh38, 1-based): chr8:22,177,930, T>C. VCF-style: chr8-22177930-T-C. GRCh37 (hg19) VCF-style: chr8-22035443-T-C.
Other names: c.809T>C, p.Met270Thr (NM_001199.4); c.809T>C (NM_006129.4); short protein forms M270T.
Identifiers: ClinVar variation 1906616 (VCV001906616.3), dbSNP rs367603688, ClinGen allele CA4664429.

ClinVar aggregate classification (germline): Uncertain significance. Review status: criteria provided, multiple submitters, no conflicts (2 of 4 stars). 2 submissions from 2 submitters: Uncertain significance (2). Last evaluated 2023-05-15.

Allele frequency attached by ClinVar (database versions not stated): ExAC 0.00001; gnomAD 0.00003; gnomAD exomes 0.00003; TOPMed 0.00003; ESP Exome Variant Server 0.00008.
gnomAD v4.1: 51 of 1,613,098 alleles (0.0032%); highest among the groups gnomAD compares: Non-Finnish European, 0.0042%; no homozygotes.

Submissions (2):

GeneDx
Classification: Uncertain significance. Last evaluated: 2023-05-15. Review status: criteria provided, single submitter. Criteria: GeneDx Variant Classification Process June 2021. Collection method: clinical testing. Allele origin: germline. Affected: yes.
Comment: In silico analysis supports that this missense variant has a deleterious effect on protein structure/function; Has not been previously published as pathogenic or benign to our knowledge

Labcorp Genetics (formerly Invitae), Labcorp
Classification: Uncertain significance. Last evaluated: 2022-07-21. Review status: criteria provided, single submitter. Criteria: Invitae Variant Classification Sherloc (09022015). Collection method: clinical testing. Allele origin: germline.
Comment: This sequence change replaces methionine, which is neutral and non-polar, with threonine, which is neutral and polar, at codon 270 of the BMP1 protein (p.Met270Thr). This variant is present in population databases (rs367603688, gnomAD 0.004%). This variant has not been reported in the literature in individuals affected with BMP1-related conditions. Algorithms developed to predict the effect of missense changes on protein structure and function (SIFT, PolyPhen-2, Align-GVGD) all suggest that this variant is likely to be disruptive. This variant disrupts the p.Met270 amino acid residue in BMP1. Other variant(s) that disrupt this residue have been determined to be pathogenic (PMID: 25402547). This suggests that this residue is clinically significant, and that variants that disrupt this residue are likely to be disease-causing. In summary, the available evidence is currently insufficient to determine the role of this variant in disease. Therefore, it has been classified as a Variant of Uncertain Significance.

Literature cited by the submitters: PubMed 25402547 (cited by Labcorp Genetics (formerly Invitae), Labcorp).